The following is an entry in ClinVar:

ClinVar aggregate classification (germline): Uncertain significance (1 of 4 stars; one submission).

Conditions:
Cardiovascular phenotype. Identifiers: MedGen CN230736.

Submission:

Ambry Genetics
Classification: Uncertain significance for Cardiovascular phenotype. Last evaluated: 2026-06-23. Review status: criteria provided, single submitter. Criteria: Ambry Variant Classification Scheme 2023. Collection method: clinical testing. Allele origin: germline.
Comment: The p.K219* variant (also known as c.655A>T), located in coding exon 4 of the BGN gene, results from an A to T substitution at nucleotide position 655. This changes the amino acid from a lysine to a stop codon within coding exon 4. This variant is expected to result in protein truncation or nonsense-mediated mRNA decay. However, loss of function has not been established as a mechanism of disease. Based on the available evidence, the clinical significance of this variant remains unclear.

NM_001711.6(BGN):c.655A>T (p.Lys219Ter)

Gene: BGN (biglycan; plus strand). Cytogenetic location: Xq28.
Variant type: single nucleotide variant.
Coding change: c.655A>T on transcript NM_001711.6 (MANE Select); coding-DNA position 655, A replaced by T.
Protein change: p.Lys219Ter; replaces lysine 219 with a stop codon.
Molecular consequence: nonsense.
Genome position (GRCh38, 1-based): chrX:153,506,618, A>T. VCF-style: chrX-153506618-A-T. GRCh37 (hg19) VCF-style: chrX-152772076-A-T.
Other names: short protein forms K219*.
Identifiers: ClinVar variation 5032851 (VCV005032851.1).
Genomic context (GRCh38, chrX:153,506,618, plus strand): 5'-GGCTTTGAACCTGGAGCCTTCGATGGCCTGAAGCTCAACTACCTGCGCATCTCAGAGGCC[A>T]AGCTGACTGGCATCCCCAAAGGTAGGAAGCCCACTCTTCCTGCACGCCTGCCTGCCTCAC-3'